The following is an entry in ClinVar:

ClinVar aggregate classification (germline): Uncertain significance (1 of 4 stars; one submission).

Submission:

Women's Health and Genetics/Laboratory Corporation of America, LabCorp
Classification: Uncertain significance. Last evaluated: 2020-10-02. Review status: criteria provided, single submitter. Criteria: LabCorp Variant Classification Summary - May 2015. Collection method: clinical testing. Allele origin: germline.
Comment: Variant summary: CNTNAP5 c.733+2T>C is located in a canonical splice-site and is predicted to affect mRNA splicing resulting in a significantly altered protein due to either exon skipping, shortening, or inclusion of intronic material. Several computational tools predict a significant impact on normal splicing: Four predict the variant abolishes a 5' splicing donor site. However, these predictions have yet to be confirmed by functional studies. The variant was absent in 232466 control chromosomes. To our knowledge, no occurrence of c.733+2T>C in individuals affected with CNTNAP5-Related Disorders and no experimental evidence demonstrating its impact on protein function have been reported. No clinical diagnostic laboratories have submitted clinical-significance assessments for this variant to ClinVar after 2014. Since disease phenotype and mechanism have not been well-established for this gene, the variant was classified as uncertain significance.

NM_001367498.1(CNTNAP5):c.733+2T>C

Gene: CNTNAP5 (contactin associated protein family member 5; plus strand). Cytogenetic location: 2q14.3.
Variant type: single nucleotide variant.
Coding change: c.733+2T>C on transcript NM_001367498.1 (MANE Select); the canonical splice donor site of the intron after coding-DNA position 733, T replaced by C.
Molecular consequence: splice donor variant.
Genome position (GRCh38, 1-based): chr2:124,434,689, T>C. VCF-style: chr2-124434689-T-C. GRCh37 (hg19) VCF-style: chr2-125192266-T-C.
Other names: c.733+2T>C (NM_130773.4).
Identifiers: ClinVar variation 984498 (VCV000984498.1), dbSNP rs1692484114, ClinGen allele CA348203192.